The following is an entry in ClinVar:

ClinVar aggregate classification (germline): Uncertain significance (1 of 4 stars; one submission).

Allele frequency attached by ClinVar (database versions not stated): gnomAD exomes below 0.00001; TOPMed below 0.00001; ExAC 0.00001.
gnomAD v4.1: 3 of 1,614,208 alleles (0.00019%); highest among the groups gnomAD compares: Non-Finnish European, 0.000085%; no homozygotes.

Submission:

Labcorp Genetics (formerly Invitae), Labcorp
Classification: Uncertain significance. Last evaluated: 2023-09-09. Review status: criteria provided, single submitter. Criteria: Invitae Variant Classification Sherloc (09022015). Collection method: clinical testing. Allele origin: germline.
Comment: In summary, the available evidence is currently insufficient to determine the role of this variant in disease. Therefore, it has been classified as a Variant of Uncertain Significance. Advanced modeling of protein sequence and biophysical properties (such as structural, functional, and spatial information, amino acid conservation, physicochemical variation, residue mobility, and thermodynamic stability) performed at Invitae indicates that this missense variant is expected to disrupt CSF2RB protein function. This variant has not been reported in the literature in individuals affected with CSF2RB-related conditions. This variant is present in population databases (rs746023630, gnomAD 0.0009%). This sequence change replaces proline, which is neutral and non-polar, with leucine, which is neutral and non-polar, at codon 808 of the CSF2RB protein (p.Pro808Leu).

NM_000395.3(CSF2RB):c.2423C>T (p.Pro808Leu)

Gene: CSF2RB (colony stimulating factor 2 receptor subunit beta; plus strand). Cytogenetic location: 22q12.3.
Variant type: single nucleotide variant.
Coding change: c.2423C>T on transcript NM_000395.3 (MANE Select); coding-DNA position 2423, C replaced by T.
Protein change: p.Pro808Leu; replaces proline 808 with leucine.
Molecular consequence: missense variant.
Genome position (GRCh38, 1-based): chr22:36,938,231, C>T. VCF-style: chr22-36938231-C-T. GRCh37 (hg19) VCF-style: chr22-37334273-C-T.
Other names: c.2441C>T, p.Pro814Leu (NM_001410827.1); short protein forms P814L, P808L.
Identifiers: ClinVar variation 2871332 (VCV002871332.3), dbSNP rs746023630, ClinGen allele CA10214118.